The following is an entry in ClinVar:

ClinVar aggregate classification (germline): Pathogenic (1 of 4 stars; one submission).

Submission:

Department of Neurology, Zibo Changguo Hospital
Classification: Pathogenic. Last evaluated: 2025-01-11. Review status: criteria provided, single submitter. Criteria: ACMG/ClinGen CNV Guidelines, 2019. Collection method: clinical testing. Allele origin: unknown.
Comment: This CNV is a 1.4 Mb deletion of 15q13.2-q13.3 on chromosome 15. The CNV constitutes a loss encompassing 5 OMIM genes, such as CHRNA7， FAN1，and OTUD7A. This CNV overlaps the well-described 15q13.3 microdeletion syndrome [OMIM: 612001]. Over 100 cases with similar deletions have been described presenting with developmental delays, intellectual disability, seizures, behavioral problems, and additional phenotypes associated with the 15q13.3 microdeletion syndrome (Lowther et al. 2015; Hassfurther et al. 2016). Cases containing this deletion have been reported in the Decipher database, with the primary clinical manifestations of the reported patients including facial abnormalities, seizures, and intellectual disability (Patient IDs: 287989, 369850, 331436).

GRCh37/hg19 15q13.2-13.3(chr15:31100000-32500000)x1

Genes: MTMR10 (myotubularin related protein 10; minus strand), CHRNA7 (cholinergic receptor nicotinic alpha 7 subunit), FAN1 (FANCD2 and FANCI associated nuclease 1; plus strand), KLF13 (KLF transcription factor 13; plus strand), MIR211 (microRNA 211; minus strand) and 2 more. Cytogenetic location: 15q13.2-13.3.
Variant type: copy number loss.
Change: copy number 1 (one copy instead of two) of chr15:31,100,000-32,500,000 (1.40 Mb, GRCh37 coordinates, 1-based), cytogenetic band 15q13.2-13.3.
Identifiers: ClinVar variation 3770230 (VCV003770230.1).